The following is an entry in ClinVar:

ClinVar aggregate classification (germline): Likely pathogenic (1 of 4 stars; one submission).

Conditions:
Bethlem myopathy 1A. Also called: MYOPATHY, BENIGN CONGENITAL, WITH CONTRACTURES; Bethlem myopathy 1; Bethlem Muscular Dystrophy. Identifiers: Orphanet 610, MedGen CN029274, MONDO:0024530, OMIM 158810.

Submission:

Labcorp Genetics (formerly Invitae), Labcorp
Classification: Likely pathogenic for Bethlem myopathy 1A. Last evaluated: 2022-06-22. Review status: criteria provided, single submitter. Criteria: Invitae Variant Classification Sherloc (09022015). Collection method: clinical testing. Allele origin: germline.
Comment: In summary, the currently available evidence indicates that the variant is pathogenic, but additional data are needed to prove that conclusively. Therefore, this variant has been classified as Likely Pathogenic. This variant has been observed in individual(s) with clinical features of COL6A1-related conditions (Invitae). This variant is not present in population databases (gnomAD no frequency). This variant results in the deletion of part of exon 7 and exon 8 (c.748_805-704del) of the COL6A1 gene. It is expected to disrupt RNA splicing. Variants that disrupt the donor or acceptor splice site typically lead to a loss of protein function (PMID: 16199547), and loss-of-function variants in COL6A1 are known to be disease-causing for autosomal recessive COL6A1 conditions (PMID: 21280092, 20976770). However, certain variants affecting donor or acceptor splice sites in the triple helical domain of COL6A1 are expected to result in in-frame exon skipping and have been reported to cause autosomal dominant COL6A1-related conditions (PMID: 18366090).

Literature cited by the submitters: PubMed 16199547; PubMed 21280092; PubMed 20976770; PubMed 18366090.

NM_001848.3(COL6A1):c.748_805-704del

Gene: COL6A1 (collagen type VI alpha 1 chain; plus strand). Cytogenetic location: 21q22.3.
Variant type: Deletion.
Coding change: c.748_805-704del on transcript NM_001848.3 (MANE Select); coding-DNA position 748 through 704 bases into the intron before coding-DNA position 805, 873 bases deleted.
Molecular consequence: splice acceptor variant, splice donor variant.
Genome position (GRCh38, 1-based): chr21:45,987,508-45,988,380, 873 bases deleted. GRCh37 (hg19): chr21:47,407,422-47,408,294.
Identifiers: ClinVar variation 2009331 (VCV002009331.4), dbSNP rs2526317363, ClinGen allele CA2580098894.